The following is an entry in ClinVar:

ClinVar aggregate classification (germline): Uncertain significance (1 of 4 stars; one submission).

Conditions:
Hereditary spastic paraplegia 3A (SPG3A). Also called: Spastic paraplegia 3A, autosomal dominant; SPASTIC PARAPLEGIA 3, AUTOSOMAL DOMINANT; FAMILIAL SPASTIC PARAPLEGIA, AUTOSOMAL DOMINANT, 1; SPG3; STRUMPELL DISEASE; Spastic Paraplegia 3A. Identifiers: Orphanet 100984, MedGen C2931355, MONDO:0008437, OMIM 182600.

Submission:

Labcorp Genetics (formerly Invitae), Labcorp
Classification: Uncertain significance for Hereditary spastic paraplegia 3A. Last evaluated: 2022-03-11. Review status: criteria provided, single submitter. Criteria: Invitae Variant Classification Sherloc (09022015). Collection method: clinical testing. Allele origin: germline.
Comment: In summary, the available evidence is currently insufficient to determine the role of this variant in disease. Therefore, it has been classified as a Variant of Uncertain Significance. Advanced modeling of protein sequence and biophysical properties (such as structural, functional, and spatial information, amino acid conservation, physicochemical variation, residue mobility, and thermodynamic stability) performed at Invitae indicates that this missense variant is expected to disrupt ATL1 protein function. This variant has not been reported in the literature in individuals affected with ATL1-related conditions. This variant is not present in population databases (gnomAD no frequency). This sequence change replaces histidine, which is basic and polar, with glutamine, which is neutral and polar, at codon 391 of the ATL1 protein (p.His391Gln).

NM_015915.5(ATL1):c.1173C>A (p.His391Gln)

Gene: ATL1 (atlastin GTPase 1; plus strand). Cytogenetic location: 14q22.1.
Variant type: single nucleotide variant.
Coding change: c.1173C>A on transcript NM_015915.5 (MANE Select); coding-DNA position 1173, C replaced by A.
Protein change: p.His391Gln; replaces histidine 391 with glutamine.
Molecular consequence: missense variant.
Genome position (GRCh38, 1-based): chr14:50,628,084, C>A. VCF-style: chr14-50628084-C-A. GRCh37 (hg19) VCF-style: chr14-51094802-C-A.
Other names: c.1173C>A, p.His391Gln (NM_001127713.1, NM_181598.4); short protein forms H391Q.
Identifiers: ClinVar variation 2108949 (VCV002108949.4), dbSNP rs149340140, ClinGen allele CA389675542.